The following is an entry in ClinVar:

NM_005228.5(EGFR):c.1881-2A>C

Gene: EGFR (epidermal growth factor receptor; plus strand). Cytogenetic location: 7p11.2.
Variant type: single nucleotide variant.
Coding change: c.1881-2A>C on transcript NM_005228.5 (MANE Select); the canonical splice acceptor site of the intron before coding-DNA position 1881, A replaced by C.
Molecular consequence: splice acceptor variant.
Genome position (GRCh38, 1-based): chr7:55,171,173, A>C. VCF-style: chr7-55171173-A-C. GRCh37 (hg19) VCF-style: chr7-55238866-A-C.
Other names: c.1746-2A>C (NM_001346899.2, NM_001346897.2); c.1080-2A>C (NM_001346941.2); c.1881-2A>C (NM_001346898.2, NM_005228.3); c.1722-2A>C (NM_001346900.2).
Identifiers: ClinVar variation 1997165 (VCV001997165.5), dbSNP rs774963273, ClinGen allele CA4265853.

ClinVar aggregate classification (germline): Conflicting classifications of pathogenicity. Review status: criteria provided, conflicting classifications (1 of 4 stars). 2 submissions from 2 submitters: Likely pathogenic (1); Uncertain significance (1). Last evaluated 2025-06-06.

Conditions:
Hereditary cancer-predisposing syndrome. Also called: Neoplastic Syndromes, Hereditary; Hereditary neoplastic syndrome; Tumor predisposition; Hereditary Cancer Syndrome. Identifiers: Orphanet 140162, MedGen C0027672, MeSH D009386, MONDO:0015356.
EGFR-related lung cancer (EGFR). Identifiers: MedGen CN130014.

Allele frequency attached by ClinVar (database versions not stated): gnomAD exomes below 0.00001.
gnomAD v4.1: 2 of 1,614,242 alleles (0.00012%); highest among the groups gnomAD compares: African/African-American, 0.0027%; no homozygotes.

Submissions (2):

Ambry Genetics
Classification: Uncertain significance for Hereditary cancer-predisposing syndrome. Last evaluated: 2025-06-06. Review status: criteria provided, single submitter. Criteria: Ambry Variant Classification Scheme 2023. Collection method: clinical testing. Allele origin: germline.
Comment: The c.1881-2A>C intronic variant results from an A to C substitution two nucleotides upstream from coding exon 16 in the EGFR gene. In silico splice site analysis predicts that this alteration will weaken the native splice acceptor site. A resulting transcript is predicted to be in-frame and is not expected to trigger nonsense-mediated mRNAdecay; although, direct evidence is unavailable. This nucleotide position is highly conserved in available vertebrate species. Based on the available evidence, the clinical significance of this variant remains unclear.

Labcorp Genetics (formerly Invitae), Labcorp
Classification: Likely pathogenic for EGFR-related lung cancer. Last evaluated: 2022-08-12. Review status: criteria provided, single submitter. Criteria: Invitae Variant Classification Sherloc (09022015). Collection method: clinical testing. Allele origin: germline.
Comment: In summary, the currently available evidence indicates that the variant is pathogenic, but additional data are needed to prove that conclusively. Therefore, this variant has been classified as Likely Pathogenic. Algorithms developed to predict the effect of sequence changes on RNA splicing suggest that this variant may disrupt the consensus splice site. This variant has not been reported in the literature in individuals affected with EGFR-related conditions. This variant is present in population databases (rs774963273, gnomAD 0.007%). This sequence change affects an acceptor splice site in intron 15 of the EGFR gene. It is expected to disrupt RNA splicing. Variants that disrupt the donor or acceptor splice site typically lead to a loss of protein function (PMID: 16199547), and loss-of-function variants in EGFR are known to be pathogenic (PMID: 7630400, 28726809, 29899996).

Literature cited by the submitters: PubMed 16199547 (cited by Labcorp Genetics (formerly Invitae), Labcorp); PubMed 7630400 (cited by Labcorp Genetics (formerly Invitae), Labcorp); PubMed 28726809 (cited by Labcorp Genetics (formerly Invitae), Labcorp); PubMed 29899996 (cited by Labcorp Genetics (formerly Invitae), Labcorp).